The following is an entry in ClinVar:

NM_000465.4(BARD1):c.1704A>G (p.Gly568=)

Gene: BARD1 (BRCA1 associated RING domain 1; minus strand). Cytogenetic location: 2q35.
Variant type: single nucleotide variant.
Coding change: c.1704A>G on transcript NM_000465.4 (MANE Select); coding-DNA position 1704, A replaced by G.
Protein change: p.Gly568=; no amino-acid change (glycine 568 retained).
Molecular consequence: synonymous variant. On other transcripts: non-coding transcript variant (3), intron variant (1).
Genome position (GRCh38, 1-based): chr2:214,745,828, T>C on the plus strand (A>G on the coding strand, the complement: BARD1 is on the minus strand). VCF-style: chr2-214745828-T-C. GRCh37 (hg19) VCF-style: chr2-215610552-T-C.
Other names: c.1647A>G, p.Gly549= (NM_001282543.2); c.351A>G, p.Gly117= (NM_001282545.2); c.294A>G, p.Gly98= (NM_001282548.2); c.365-15320A>G (NM_001282549.2).
Identifiers: ClinVar variation 377556 (VCV000377556.23), dbSNP rs1057520238, ClinGen allele CA16604375.

ClinVar aggregate classification (germline): Benign/Likely benign. Review status: criteria provided, multiple submitters, no conflicts (2 of 4 stars). 6 submissions from 6 submitters: Benign (1); Likely benign (5). Last evaluated 2025-11-18.

Conditions:
Hereditary cancer-predisposing syndrome. Also called: Hereditary neoplastic syndrome; Hereditary Cancer Syndrome; Neoplastic Syndromes, Hereditary; Tumor predisposition. Identifiers: Orphanet 140162, MedGen C0027672, MeSH D009386, MONDO:0015356.
Familial cancer of breast. Also called: BREAST CANCER, FAMILIAL; hereditary breast carcinoma; Hereditary breast cancer. Identifiers: Orphanet 227535, MedGen C0346153, MONDO:0016419, OMIM 114480. Disease mechanism: loss of function.

Allele frequency attached by ClinVar (database versions not stated): gnomAD exomes below 0.00001; gnomAD 0.00001; TOPMed 0.00001.
gnomAD v4.1: 3 of 1,613,866 alleles (0.00019%); highest among the groups gnomAD compares: Non-Finnish European, 0.00025%; no homozygotes.

Submissions (6):

Labcorp Genetics (formerly Invitae), Labcorp
Classification: Likely benign for Familial cancer of breast. Last evaluated: 2025-11-18. Review status: criteria provided, single submitter. Criteria: Invitae Variant Classification Sherloc (09022015). Collection method: clinical testing. Allele origin: germline.

Myriad Genetics, Inc.
Classification: Benign for Familial cancer of breast. Last evaluated: 2024-07-26. Review status: criteria provided, single submitter. Criteria: Myriad Autosomal Dominant, Autosomal Recessive and X-Linked Classification Criteria (2023). Collection method: clinical testing. Allele origin: unknown.
Comment: This variant is considered benign. This variant is a silent/synonymous amino acid change and it is not expected to impact splicing.

Women's Health and Genetics/Laboratory Corporation of America, LabCorp
Classification: Likely benign. Last evaluated: 2019-08-21. Review status: criteria provided, single submitter. Criteria: LabCorp Variant Classification Summary - May 2015. Collection method: clinical testing. Allele origin: germline.

GeneDx
Classification: Likely benign. Last evaluated: 2019-01-31. Review status: criteria provided, single submitter. Criteria: GeneDx Variant Classification Process June 2021. Collection method: clinical testing. Allele origin: germline. Affected: yes.

Color Diagnostics, LLC DBA Color Health
Classification: Likely benign for Hereditary cancer-predisposing syndrome. Last evaluated: 2017-09-25. Review status: criteria provided, single submitter. Criteria: ACMG Guidelines, 2015. Collection method: clinical testing. Allele origin: germline.

Ambry Genetics
Classification: Likely benign for Hereditary cancer-predisposing syndrome. Last evaluated: 2016-07-13. Review status: criteria provided, single submitter. Criteria: Ambry Variant Classification Scheme 2023. Collection method: clinical testing. Allele origin: germline.